The following is an entry in ClinVar:

ClinVar aggregate classification (germline): Uncertain significance (1 of 4 stars; one submission).

Submission:

Ambry Genetics
Classification: Uncertain significance. Last evaluated: 2025-04-18. Review status: criteria provided, single submitter. Criteria: Ambry Variant Classification Scheme 2023. Collection method: clinical testing. Allele origin: germline.
Comment: The c.872dupA variant, located in coding exon 9 of the KIF1B gene, results from a duplication of A at nucleotide position 872, causing a translational frameshift with a predicted alternate stop codon (p.K292Efs*43). This alteration is expected to result in loss of function by premature protein truncation or nonsense-mediated mRNA decay. The evidence for this gene-disease relationship is limited; therefore, the clinical significance of this alteration is unclear.

NM_001365951.3(KIF1B):c.890dup (p.Lys298fs)

Gene: KIF1B (kinesin family member 1B; plus strand). Cytogenetic location: 1p36.22.
Variant type: Duplication.
Coding change: c.890dup on transcript NM_001365951.3 (MANE Select); coding-DNA position 890, one base duplicated (A; older notation c.890dupA).
Protein change: p.Lys298fs; shifts the reading frame from lysine 298.
Molecular consequence: frameshift variant.
Genome position (GRCh38, 1-based): chr1:10,275,435, A duplicated; the last of 5 consecutive A bases (chr1:10,275,431-10,275,435); duplicating any one gives the same sequence. VCF-style (leftmost placement, unchanged base first): chr1-10275430-T-TA. GRCh37 (hg19) VCF-style: chr1-10335488-T-TA.
Other names: c.890dup, p.Lys298fs (NM_001365952.1); c.872dup, p.Lys292fs (NM_001365953.1, NM_015074.3, NM_183416.4); c.872dupA (NM_015074.3); short protein forms K298fs, K292fs.
Identifiers: ClinVar variation 4043103 (VCV004043103.1).